The following is an entry in ClinVar:

NM_024407.5(NDUFS7):c.561C>A (p.Ala187=)

Gene: NDUFS7 (NADH:ubiquinone oxidoreductase core subunit S7; plus strand). Cytogenetic location: 19p13.3.
Variant type: single nucleotide variant.
Coding change: c.561C>A on transcript NM_024407.5 (MANE Select); coding-DNA position 561, C replaced by A.
Protein change: p.Ala187=; no amino-acid change (alanine 187 retained).
Molecular consequence: synonymous variant. On other transcripts: 3 prime UTR variant (1).
Genome position (GRCh38, 1-based): chr19:1,395,407, C>A. VCF-style: chr19-1395407-C-A. GRCh37 (hg19) VCF-style: chr19-1395406-C-A.
Other names: c.*985C>A (NM_001363602.2).
Identifiers: ClinVar variation 328339 (VCV000328339.10), dbSNP rs144570086, ClinGen allele CA10642357.

ClinVar aggregate classification (germline): Conflicting classifications of pathogenicity. Review status: criteria provided, conflicting classifications (1 of 4 stars). 5 submissions from 4 submitters: Uncertain significance (3); Likely benign (2). Last evaluated 2025-12-14.

Conditions:
NDUFS7-related disorder. Also called: NDUFS7-related condition.
Mitochondrial complex I deficiency, nuclear type 1. Also called: NADH-COENZYME Q REDUCTASE DEFICIENCY; MITOCHONDRIAL NADH DEHYDROGENASE COMPONENT OF COMPLEX I, DEFICIENCY OF. Identifiers: MedGen C6022305, MONDO:0100224, OMIM 252010.
Leigh syndrome (NULS). Also called: Leigh's syndrome; Leigh's necrotizing encephalopathy; Leigh's disease; Leigh Syndrome (mtDNA deletion); Leigh Disease; LEIGH SYNDROME, NUCLEAR. Identifiers: Orphanet 506, MedGen C2931891, MONDO:0009723, OMIM 256000.

gnomAD v4.1: 12 of 1,601,310 alleles (0.00075%); highest among the groups gnomAD compares: Middle Eastern, 0.017%; no homozygotes.

Submissions (5):

Labcorp Genetics (formerly Invitae), Labcorp
Classification: Likely benign. Last evaluated: 2025-12-14. Review status: criteria provided, single submitter. Criteria: Invitae Variant Classification Sherloc (09022015). Collection method: clinical testing. Allele origin: germline.

PreventionGenetics, part of Exact Sciences
Classification: Likely benign for NDUFS7-related condition. Last evaluated: 2025-08-27. Review status: criteria provided, single submitter. Criteria: ACMG Guidelines, 2015. Collection method: clinical testing. Allele origin: germline.
Comment: This variant is classified as likely benign based on ACMG/AMP sequence variant interpretation guidelines (Richards et al. 2015 PMID: 25741868, with internal and published modifications).

Illumina Laboratory Services, Illumina
Classification: Uncertain significance for Mitochondrial complex I deficiency, nuclear type 1. Last evaluated: 2018-01-12. Review status: criteria provided, single submitter. Criteria: ICSL Variant Classification Criteria 13 December 2019. Collection method: clinical testing. Allele origin: germline.

Illumina Laboratory Services, Illumina
Classification: Uncertain significance for Leigh syndrome. Last evaluated: 2018-01-12. Review status: criteria provided, single submitter. Criteria: ICSL Variant Classification Criteria 13 December 2019. Collection method: clinical testing. Allele origin: germline.

Breakthrough Genomics
Classification: Uncertain significance. Review status: criteria provided, single submitter. Criteria: ACMG Guidelines, 2015. Collection method: not provided. Allele origin: germline. Inheritance: Autosomal recessive inheritance. Affected: yes.